The following is an entry in ClinVar:

NM_002972.4(SBF1):c.5314A>C (p.Ser1772Arg)

Gene: SBF1 (SET binding factor 1; minus strand). Cytogenetic location: 22q13.33.
Variant type: single nucleotide variant.
Coding change: c.5314A>C on transcript NM_002972.4 (MANE Select); coding-DNA position 5314, A replaced by C.
Protein change: p.Ser1772Arg; replaces serine 1772 with arginine.
Molecular consequence: missense variant.
Genome position (GRCh38, 1-based): chr22:50,448,282, T>G on the plus strand (A>C on the coding strand, the complement: SBF1 is on the minus strand). VCF-style: chr22-50448282-T-G. GRCh37 (hg19) VCF-style: chr22-50886711-T-G.
Other names: c.5239A>C, p.Ser1747Arg (NM_001365819.1); c.5317A>C, p.Ser1773Arg (NM_001410794.1); c.5236A>C, p.Ser1746Arg (NM_001410795.1); c.5314A>C, p.Ser1772Arg (NM_197971.1); short protein forms S1773R, S1746R, S1772R, S1747R.
Identifiers: ClinVar variation 2195973 (VCV002195973.1), dbSNP rs1482323429, ClinGen allele CA412186528.

ClinVar aggregate classification (germline): Uncertain significance (1 of 4 stars; one submission).

Allele frequency attached by ClinVar (database versions not stated): gnomAD 0.00001; gnomAD exomes 0.00001.
gnomAD v4.1: 14 of 1,612,964 alleles (0.00087%); highest among the groups gnomAD compares: African/African-American, 0.0013%; no homozygotes.

Submission:

Labcorp Genetics (formerly Invitae), Labcorp
Classification: Uncertain significance. Last evaluated: 2022-05-07. Review status: criteria provided, single submitter. Criteria: Invitae Variant Classification Sherloc (09022015). Collection method: clinical testing. Allele origin: germline.
Comment: This sequence change replaces serine, which is neutral and polar, with arginine, which is basic and polar, at codon 1772 of the SBF1 protein (p.Ser1772Arg). This variant is present in population databases (no rsID available, gnomAD 0.004%). This variant has not been reported in the literature in individuals affected with SBF1-related conditions. Algorithms developed to predict the effect of missense changes on protein structure and function are either unavailable or do not agree on the potential impact of this missense change (SIFT: "Deleterious"; PolyPhen-2: "Benign"; Align-GVGD: "Class C0"). In summary, the available evidence is currently insufficient to determine the role of this variant in disease. Therefore, it has been classified as a Variant of Uncertain Significance.